The following is an entry in ClinVar:

NM_000487.6(ARSA):c.301G>T (p.Gly101Cys)

Gene: ARSA (arylsulfatase A; minus strand). Cytogenetic location: 22q13.33.
Variant type: single nucleotide variant.
Coding change: c.301G>T on transcript NM_000487.6 (MANE Select); coding-DNA position 301, G replaced by T.
Protein change: p.Gly101Cys; replaces glycine 101 with cysteine.
Molecular consequence: missense variant.
Genome position (GRCh38, 1-based): chr22:50,627,330, C>A on the plus strand (G>T on the coding strand, the complement: ARSA is on the minus strand). VCF-style: chr22-50627330-C-A. GRCh37 (hg19) VCF-style: chr22-51065758-C-A.
Other names: c.301G>T, p.Gly101Cys (NM_001085425.3, NM_001085426.3, NM_001085427.3); c.43G>T, p.Gly15Cys (NM_001085428.3, NM_001362782.2); short protein forms G101C, G15C.
Identifiers: ClinVar variation 2191760 (VCV002191760.5), dbSNP rs1013216151, ClinGen allele CA325531597.

ClinVar aggregate classification (germline): Conflicting classifications of pathogenicity. Review status: criteria provided, conflicting classifications (1 of 4 stars). 2 submissions from 2 submitters: Likely pathogenic (1); Uncertain significance (1). Last evaluated 2026-06-18.

Conditions:
Metachromatic leukodystrophy (MLD). Also called: SULFATIDE LIPIDOSIS; ARSA DEFICIENCY; CEREBROSIDE SULFATASE DEFICIENCY; METACHROMATIC LEUKOENCEPHALOPATHY; Cerebral sclerosis diffuse metachromatic form; Arylsulfatase A Deficiency. Identifiers: Orphanet 512, MedGen C0023522, MONDO:0018868, OMIM 250100.

gnomAD v4.1: 2 of 1,591,010 alleles (0.00013%); highest among the groups gnomAD compares: Non-Finnish European, 0.00017%; no homozygotes.

Submissions (2):

Myriad Genetics, Inc.
Classification: Uncertain significance for Metachromatic leukodystrophy. Last evaluated: 2026-06-18. Review status: criteria provided, single submitter. Criteria: Myriad Autosomal Dominant, Autosomal Recessive and X-Linked Classification Criteria (2023). Collection method: clinical testing. Allele origin: unknown.
Comment: NM_000487.5(ARSA):c.301G>T(G101C) is a missense variant classified as a variant of uncertain significance in the context of metachromatic leukodystrophy. G101C has not been observed in cases with relevant disease. Relevant functional assessments of this variant are not available in the literature. G101C has not been observed in referenced population frequency databases. In summary, there is insufficient evidence to classify NM_000487.5(ARSA):c.301G>T(G101C) as pathogenic or benign. Please note: this variant was assessed in the context of healthy population screening.

Labcorp Genetics (formerly Invitae), Labcorp
Classification: Likely pathogenic for Metachromatic leukodystrophy. Last evaluated: 2022-11-17. Review status: criteria provided, single submitter. Criteria: Invitae Variant Classification Sherloc (09022015). Collection method: clinical testing. Allele origin: germline.
Comment: This variant is not present in population databases (gnomAD no frequency). This sequence change replaces glycine, which is neutral and non-polar, with cysteine, which is neutral and slightly polar, at codon 101 of the ARSA protein (p.Gly101Cys). This variant has not been reported in the literature in individuals affected with ARSA-related conditions. In summary, the currently available evidence indicates that the variant is pathogenic, but additional data are needed to prove that conclusively. Therefore, this variant has been classified as Likely Pathogenic. This variant disrupts the p.Gly101 amino acid residue in ARSA. Other variant(s) that disrupt this residue have been determined to be pathogenic (PMID: 10477432, 26553228, 27374302, 27779215, 30057904). This suggests that this residue is clinically significant, and that variants that disrupt this residue are likely to be disease-causing. Advanced modeling of protein sequence and biophysical properties (such as structural, functional, and spatial information, amino acid conservation, physicochemical variation, residue mobility, and thermodynamic stability) performed at Invitae indicates that this missense variant is expected to disrupt ARSA protein function.

Literature cited by the submitters: PubMed 10477432 (cited by Labcorp Genetics (formerly Invitae), Labcorp); PubMed 26553228 (cited by Labcorp Genetics (formerly Invitae), Labcorp); PubMed 27374302 (cited by Labcorp Genetics (formerly Invitae), Labcorp); PubMed 27779215 (cited by Labcorp Genetics (formerly Invitae), Labcorp); PubMed 30057904 (cited by Labcorp Genetics (formerly Invitae), Labcorp).